The following is an entry in ClinVar:

ClinVar aggregate classification (germline): Likely pathogenic (1 of 4 stars; one submission).

Conditions:
Sphingolipid activator protein 1 deficiency. Also called: Saposin B Deficiency; METACHROMATIC LEUKODYSTROPHY DUE TO CEREBROSIDE SULFATASE ACTIVATOR DEFICIENCY; Metachromatic leukodystrophy due to saposin B deficiency. Identifiers: Orphanet 512, MedGen C0268262, MONDO:0009590, OMIM 249900.

Allele frequency attached by ClinVar (database versions not stated): ExAC 0.00001; gnomAD exomes 0.00001.
gnomAD v4.1: 9 of 1,612,866 alleles (0.00056%); highest among the groups gnomAD compares: Non-Finnish European, 0.00068%; no homozygotes.

Submissions (2):

Labcorp Genetics (formerly Invitae), Labcorp
Classification: Likely pathogenic for Sphingolipid activator protein 1 deficiency. Last evaluated: 2023-06-06. Review status: criteria provided, single submitter. Criteria: Invitae Variant Classification Sherloc (09022015). Collection method: clinical testing. Allele origin: germline.
Comment: Algorithms developed to predict the effect of sequence changes on RNA splicing suggest that this variant may disrupt the consensus splice site. ClinVar contains an entry for this variant (Variation ID: 1477805). This variant has not been reported in the literature in individuals affected with PSAP-related conditions. This variant is present in population databases (rs779384030, gnomAD 0.002%). This sequence change affects an acceptor splice site in intron 8 of the PSAP gene. It is expected to disrupt RNA splicing. Variants that disrupt the donor or acceptor splice site typically lead to a loss of protein function (PMID: 16199547), and loss-of-function variants in PSAP are known to be pathogenic (PMID: 8554069, 11309366, 17616409, 19267410, 30632081). In summary, the currently available evidence indicates that the variant is pathogenic, but additional data are needed to prove that conclusively. Therefore, this variant has been classified as Likely Pathogenic.

Dr. Peter K. Rogan Lab, Western University
No classification provided (evidence only). Condition: Hepatocellular carcinoma. Review status: no classification provided. Collection method: in vitro. Allele origin: not applicable. Functional consequence: retained intron. Not counted in ClinVar's aggregate classification.

Literature cited by the submitters: PubMed 16199547 (cited by Labcorp Genetics (formerly Invitae), Labcorp); PubMed 8554069 (cited by Labcorp Genetics (formerly Invitae), Labcorp); PubMed 11309366 (cited by Labcorp Genetics (formerly Invitae), Labcorp); PubMed 17616409 (cited by Labcorp Genetics (formerly Invitae), Labcorp); PubMed 19267410 (cited by Labcorp Genetics (formerly Invitae), Labcorp); PubMed 30632081 (cited by Labcorp Genetics (formerly Invitae), Labcorp).

NM_002778.4(PSAP):c.910-2A>G

Gene: PSAP (prosaposin; minus strand). Cytogenetic location: 10q22.1.
Variant type: single nucleotide variant.
Coding change: c.910-2A>G on transcript NM_002778.4 (MANE Select); the canonical splice acceptor site of the intron before coding-DNA position 910, A replaced by G.
Molecular consequence: splice acceptor variant.
Genome position (GRCh38, 1-based): chr10:71,820,337, T>C on the plus strand (A>G on the coding strand, the complement: PSAP is on the minus strand). VCF-style: chr10-71820337-T-C. GRCh37 (hg19) VCF-style: chr10-73580094-T-C.
Other names: c.916-2A>G (NM_001042466.3); c.919-2A>G (NM_001042465.3).
Identifiers: ClinVar variation 1477805 (VCV001477805.9), dbSNP rs779384030, ClinGen allele CA5547564.